The following is an entry in ClinVar:

ClinVar aggregate classification (germline): Pathogenic (1 of 4 stars; one submission).

Conditions:
Neurofibromatosis, type 1 (NF1). Also called: Peripheral type neurofibromatosis; VON RECKLINGHAUSEN DISEASE; Neurofibromatosis, type I; NEUROFIBROMATOSIS, TYPE I, SOMATIC. Identifiers: Orphanet 636, MedGen C0027831, MONDO:0018975, OMIM 162200. Disease mechanism: loss of function.

Submission:

Labcorp Genetics (formerly Invitae), Labcorp
Classification: Pathogenic for Neurofibromatosis, type 1. Last evaluated: 2024-03-28. Review status: criteria provided, single submitter. Criteria: Invitae Variant Classification Sherloc (09022015). Collection method: clinical testing. Allele origin: germline.
Comment: This sequence change creates a premature translational stop signal (p.Asn2645Glnfs*27) in the NF1 gene. It is expected to result in an absent or disrupted protein product. Loss-of-function variants in NF1 are known to be pathogenic (PMID: 10712197, 23913538). This variant is not present in population databases (gnomAD no frequency). This premature translational stop signal has been observed in individual(s) with neurofibromatosis type 1 (PMID: 34797032). For these reasons, this variant has been classified as Pathogenic.

Literature cited by the submitters: PubMed 10712197; PubMed 23913538; PubMed 34797032.

NM_001042492.3(NF1):c.7995dup (p.Asn2666fs)

Gene: NF1 (neurofibromin 1; plus strand). Cytogenetic location: 17q11.2.
Variant type: Duplication.
Coding change: c.7995dup on transcript NM_001042492.3 (MANE Select); coding-DNA position 7995, one base duplicated (C; older notation c.7995dupC).
Protein change: p.Asn2666fs; shifts the reading frame from asparagine 2666.
Molecular consequence: frameshift variant.
Genome position (GRCh38, 1-based): chr17:31,358,504, C duplicated. VCF-style (leftmost placement, unchanged base first): chr17-31358503-T-TC. GRCh37 (hg19) VCF-style: chr17-29685521-T-TC.
Other names: c.7932dup, p.Asn2645Glnfs (NM_000267.4); short protein forms N2645fs, N2666fs.
Identifiers: ClinVar variation 3647925 (VCV003647925.2).
Genomic context (GRCh38, chr17:31,358,503, plus strand): 5'-CTAAAATGTTCCTCTGTTGACTTTTTTTTTCTTTTAGGCATAATTTGTTGGACTCTAAGA[T>TC]CAACACCCTGTTATCATTGTGCCAAGATCCAAATTTGTTAAATCCAATCCATGGAATTGT-3'